The following is an entry in ClinVar:

NM_000350.3(ABCA4):c.578A>T (p.His193Leu)

Gene: ABCA4 (ATP binding cassette subfamily A member 4; minus strand). Cytogenetic location: 1p22.1.
Variant type: single nucleotide variant.
Coding change: c.578A>T on transcript NM_000350.3 (MANE Select); coding-DNA position 578, A replaced by T.
Protein change: p.His193Leu; replaces histidine 193 with leucine.
Molecular consequence: missense variant.
Genome position (GRCh38, 1-based): chr1:94,098,984, T>A on the plus strand (A>T on the coding strand, the complement: ABCA4 is on the minus strand). VCF-style: chr1-94098984-T-A. GRCh37 (hg19) VCF-style: chr1-94564540-T-A.
Other names: c.578A>T, p.His193Leu (NM_001425324.1); short protein forms H193L.
Identifiers: ClinVar variation 1482454 (VCV001482454.8), dbSNP rs146117175, ClinGen allele CA26887153.

ClinVar aggregate classification (germline): Uncertain significance (1 of 4 stars; one submission).

Allele frequency attached by ClinVar (database versions not stated): ESP Exome Variant Server 0.00008.
gnomAD v4.1: 3 of 1,606,874 alleles (0.00019%); highest among the groups gnomAD compares: African/African-American, 0.0027%; no homozygotes.

Submission:

Labcorp Genetics (formerly Invitae), Labcorp
Classification: Uncertain significance. Last evaluated: 2022-02-05. Review status: criteria provided, single submitter. Criteria: Invitae Variant Classification Sherloc (09022015). Collection method: clinical testing. Allele origin: germline.
Comment: In summary, the available evidence is currently insufficient to determine the role of this variant in disease. Therefore, it has been classified as a Variant of Uncertain Significance. Advanced modeling of protein sequence and biophysical properties (such as structural, functional, and spatial information, amino acid conservation, physicochemical variation, residue mobility, and thermodynamic stability) performed at Invitae indicates that this missense variant is not expected to disrupt ABCA4 protein function. This variant has not been reported in the literature in individuals affected with ABCA4-related conditions. This variant is present in population databases (rs146117175, gnomAD 0.01%). This sequence change replaces histidine, which is basic and polar, with leucine, which is neutral and non-polar, at codon 193 of the ABCA4 protein (p.His193Leu).